The following is an entry in ClinVar:

NM_000414.4(HSD17B4):c.2135G>A (p.Gly712Asp)

Gene: HSD17B4 (hydroxysteroid 17-beta dehydrogenase 4; plus strand). Cytogenetic location: 5q23.1.
Variant type: single nucleotide variant.
Coding change: c.2135G>A on transcript NM_000414.4 (MANE Select); coding-DNA position 2135, G replaced by A.
Protein change: p.Gly712Asp; replaces glycine 712 with aspartic acid.
Molecular consequence: missense variant. On other transcripts: non-coding transcript variant (2).
Genome position (GRCh38, 1-based): chr5:119,541,918, G>A. VCF-style: chr5-119541918-G-A. GRCh37 (hg19) VCF-style: chr5-118877613-G-A.
Other names: c.1808G>A, p.Gly603Asp (NM_001374499.1); c.1694G>A, p.Gly565Asp (NM_001374500.1); c.1724G>A, p.Gly575Asp (NM_001374501.1, NM_001374502.1, NM_001374503.1); c.2081G>A, p.Gly694Asp (NM_001199292.2); c.2063G>A, p.Gly688Asp (NM_001292027.2, NM_001374498.1); c.1715G>A, p.Gly572Asp (NM_001292028.2); c.2210G>A, p.Gly737Asp (NM_001199291.3); c.2126G>A, p.Gly709Asp (NM_001374497.1); short protein forms G572D, G712D, G737D, G603D, G694D, G565D, G575D, G709D.
Identifiers: ClinVar variation 2085140 (VCV002085140.1), dbSNP rs2126934535, ClinGen allele CA360872461.

ClinVar aggregate classification (germline): Uncertain significance (1 of 4 stars; one submission).

Conditions:
Bifunctional peroxisomal enzyme deficiency (DBIF). Also called: PBFE DEFICIENCY; D-bifunctional protein deficiency; DBP DEFICIENCY. Identifiers: Orphanet 300, MedGen C0342870, MONDO:0009855, OMIM 261515. Disease mechanism: loss of function.
Perrault syndrome. Also called: Gonadal dysgenesis with auditory dysfunction, autosomal recessive inheritance. Identifiers: Orphanet 2855, MedGen C0685838, MONDO:0017312.

Allele frequency attached by ClinVar (database versions not stated): gnomAD exomes below 0.00001.
gnomAD v4.1: 3 of 1,610,378 alleles (0.00019%); highest among the groups gnomAD compares: Non-Finnish European, 0.00025%; no homozygotes.

Submission:

Labcorp Genetics (formerly Invitae), Labcorp
Classification: Uncertain significance for Perrault syndrome; Bifunctional peroxisomal enzyme deficiency. Last evaluated: 2021-08-13. Review status: criteria provided, single submitter. Criteria: Invitae Variant Classification Sherloc (09022015). Collection method: clinical testing. Allele origin: germline.
Comment: This sequence change replaces glycine with aspartic acid at codon 712 of the HSD17B4 protein (p.Gly712Asp). The glycine residue is moderately conserved and there is a moderate physicochemical difference between glycine and aspartic acid. This variant is not present in population databases (ExAC no frequency). This variant has not been reported in the literature in individuals affected with HSD17B4-related conditions. Algorithms developed to predict the effect of missense changes on protein structure and function are either unavailable or do not agree on the potential impact of this missense change (SIFT: "Tolerated"; PolyPhen-2: "Probably Damaging"; Align-GVGD: "Class C0"). In summary, the available evidence is currently insufficient to determine the role of this variant in disease. Therefore, it has been classified as a Variant of Uncertain Significance.